The following is an entry in ClinVar:

NM_000601.6(HGF):c.322G>A (p.Val108Met)

Gene: HGF (hepatocyte growth factor; minus strand). Cytogenetic location: 7q21.11.
Variant type: single nucleotide variant.
Coding change: c.322G>A on transcript NM_000601.6 (MANE Select); coding-DNA position 322, G replaced by A.
Protein change: p.Val108Met; replaces valine 108 with methionine.
Molecular consequence: missense variant.
Genome position (GRCh38, 1-based): chr7:81,758,737, C>T on the plus strand (G>A on the coding strand, the complement: HGF is on the minus strand). VCF-style: chr7-81758737-C-T. GRCh37 (hg19) VCF-style: chr7-81388053-C-T.
Other names: c.322G>A, p.Val108Met (NM_001010933.3, NM_001010934.3, NM_001010931.3 and 1 more transcripts); short protein forms V108M.
Identifiers: ClinVar variation 3689445 (VCV003689445.2).
Genomic context (GRCh38, chr7:81,758,737, plus strand): 5'-GGAGAAGTCAGTTACCTTTGTTTTCATAGAGGTCAAATTCATGGCCAAATTCTTTTTTCA[C>T]TCCACTTGACATGCTATTGAAGGGGAACCAGAGGCATTGTTTTCTTGCTTTATCAAAAAC-3'
Protein context (NP_000592.3, residues 98-118): WFPFNSMSSG[Val108Met]KKEFGHEFDL

ClinVar aggregate classification (germline): Uncertain significance (1 of 4 stars; one submission).

gnomAD v4.1: 1 of 1,613,134 alleles (0.000062%); highest among the groups gnomAD compares: South Asian, 0.0011%; no homozygotes.

Submission:

Labcorp Genetics (formerly Invitae), Labcorp
Classification: Uncertain significance. Last evaluated: 2024-08-29. Review status: criteria provided, single submitter. Criteria: Invitae Variant Classification Sherloc (09022015). Collection method: clinical testing. Allele origin: germline.
Comment: This sequence change replaces valine, which is neutral and non-polar, with methionine, which is neutral and non-polar, at codon 108 of the HGF protein (p.Val108Met). This variant is not present in population databases (gnomAD no frequency). This variant has not been reported in the literature in individuals affected with HGF-related conditions. An algorithm developed to predict the effect of missense changes on protein structure and function (PolyPhen-2) suggests that this variant is likely to be disruptive. In summary, the available evidence is currently insufficient to determine the role of this variant in disease. Therefore, it has been classified as a Variant of Uncertain Significance.